The following is an entry in ClinVar:

ClinVar aggregate classification (germline): Uncertain significance. Review status: criteria provided, multiple submitters, no conflicts (2 of 4 stars). 2 submissions from 2 submitters: Uncertain significance (2). Last evaluated 2019-11-01.

Conditions:
Very long chain acyl-CoA dehydrogenase deficiency (ACADVLD). Also called: Very Long-Chain Acyl-Coenzyme A Dehydrogenase Deficiency; VLCAD Deficiency. Identifiers: Orphanet 26793, MedGen C3887523, MONDO:0008723, OMIM 201475.

Allele frequency attached by ClinVar (database versions not stated): ESP Exome Variant Server 0.00015; gnomAD exomes 0.00136 and 0.00478; gnomAD 0.00139 and 0.00195; TOPMed 0.00230; ExAC 0.00442; 1000 Genomes Project 30x 0.01077; 1000 Genomes Project 0.01098.
gnomAD v4.1: 2,354 of 1,609,640 alleles (0.15%); highest among the groups gnomAD compares: East Asian, 4.5%; 53 homozygotes.

Submissions (2):

Wong Mito Lab, Molecular and Human Genetics, Baylor College of Medicine
Classification: Uncertain significance for Very long chain acyl-CoA dehydrogenase deficiency. Last evaluated: 2019-11-01. Review status: criteria provided, single submitter. Criteria: ACMG Guidelines, 2015. Collection method: clinical testing. Allele origin: germline.
Comment: The NM_000018.3:c.878+33T>G (NP_000009.1:p.?) [GRCH38: NC_000017.11:g.7222335T>G] variant in ACADVL gene is interpretated to be Uncertain Significance based on ACMG guidelines (PMID: 25741868). This variant has been reported. This variant dose not meet any evidence codes reported in the ACMG guidelines.

Breakthrough Genomics
Classification: Uncertain significance. Review status: criteria provided, single submitter. Criteria: ACMG Guidelines, 2015. Collection method: not provided. Allele origin: germline. Inheritance: Autosomal recessive inheritance. Affected: yes.

NM_000018.4(ACADVL):c.878+33T>G

Gene: ACADVL (acyl-CoA dehydrogenase very long chain; plus strand). Cytogenetic location: 17p13.1.
Variant type: single nucleotide variant.
Coding change: c.878+33T>G on transcript NM_000018.4 (MANE Select); 33 bases into the intron after coding-DNA position 878, T replaced by G.
Molecular consequence: intron variant.
Genome position (GRCh38, 1-based): chr17:7,222,335, T>G. VCF-style: chr17-7222335-T-G. GRCh37 (hg19) VCF-style: chr17-7125654-T-G.
Other names: c.947+33T>G (NM_001270447.2); c.650+33T>G (NM_001270448.2); c.812+33T>G (NM_001033859.3).
Identifiers: ClinVar variation 932817 (VCV000932817.3), dbSNP rs145589195, ClinGen allele CA8337883.